The following is an entry in ClinVar:

ClinVar aggregate classification (germline): Pathogenic (1 of 4 stars; one submission).

Submission:

GeneDx
Classification: Pathogenic. Last evaluated: 2017-11-20. Review status: criteria provided, single submitter. Criteria: GeneDx Variant Classification (06012015). Collection method: clinical testing. Allele origin: germline. Affected: yes.
Comment: The c.1840delG variant causes a frameshift starting with codon Alanine 614, changes this amino acid to a Histidine residue, and creates a premature Stop codon at position 15 of the new reading frame, denoted p.Ala614HisfsX15. This variant is predicted to cause loss of normal protein function either through protein truncation or nonsense-mediated mRNA decay. The c.1840delG variant is not observed in large population cohorts (Lek et al., 2016). We interpret c.1840delG as a pathogenic variant.

NM_003611.3(OFD1):c.1840del (p.Ala614fs)

Gene: OFD1 (OFD1 centriole and centriolar satellite protein; plus strand). Cytogenetic location: Xp22.2.
Variant type: Deletion.
Coding change: c.1840del on transcript NM_003611.3 (MANE Select); coding-DNA position 1840, one base deleted (G; older notation c.1840delG).
Protein change: p.Ala614fs; shifts the reading frame from alanine 614.
Molecular consequence: frameshift variant.
Genome position (GRCh38, 1-based): chrX:13,760,300, G deleted. VCF-style (leftmost placement, unchanged base first): chrX-13760299-TG-T. GRCh37 (hg19) VCF-style: chrX-13778418-TG-T.
Other names: c.1720del, p.Ala574fs (NM_001330209.2); c.1420del, p.Ala474fs (NM_001330210.2); short protein forms A614fs, A474fs, A574fs.
Identifiers: ClinVar variation 503662 (VCV000503662.2), dbSNP rs1555906894, ClinGen allele CA658794117.
Genomic context (GRCh38, chrX:13,760,299, plus strand): 5'-TTTTAAACAGGAAAACGTTCTAGCACGTATGGTTGCATCAAGGATCACAAATTATCCAAC[TG>T]CATGGGTGGAGGGTAGTTCCCCTGATTCTGACCTTGAGTTTGTAGCCAATACTAAGGCAA-3'